The following is an entry in ClinVar:

ClinVar aggregate classification (germline): Likely benign (1 of 4 stars; one submission).

Allele frequency attached by ClinVar (database versions not stated): gnomAD exomes below 0.00001.
gnomAD v4.1: 1 of 1,612,798 alleles (0.000062%); no homozygotes.

Submission:

GeneDx
Classification: Likely benign. Last evaluated: 2020-05-08. Review status: criteria provided, single submitter. Criteria: GeneDx Variant Classification Process June 2021. Collection method: clinical testing. Allele origin: germline. Affected: yes.
Comment: Not observed in large population cohorts (Lek et al., 2016); In silico analysis, which includes protein predictors and evolutionary conservation, supports that this variant does not alter protein structure/function; Has not been previously published as pathogenic or benign to our knowledge

NM_001958.5(EEF1A2):c.524G>A (p.Ser175Asn)

Genes: EEF1A2 (eukaryotic translation elongation factor 1 alpha 2; minus strand), LOC132090595 (Neanderthal introgressed variant-containing enhancer experimental_60987; plus strand). Cytogenetic location: 20q13.33.
Variant type: single nucleotide variant.
Coding change: c.524G>A on transcript NM_001958.5 (MANE Select); coding-DNA position 524, G replaced by A.
Protein change: p.Ser175Asn; replaces serine 175 with asparagine.
Molecular consequence: missense variant.
Genome position (GRCh38, 1-based): chr20:63,494,902, C>T on the plus strand (G>A on the coding strand, the complement: EEF1A2 is on the minus strand). VCF-style: chr20-63494902-C-T. GRCh37 (hg19) VCF-style: chr20-62126255-C-T.
Other names: short protein forms S175N.
Identifiers: ClinVar variation 1202499 (VCV001202499.3), dbSNP rs2145944783, ClinGen allele CA409649466.